The following is an entry in ClinVar:

ClinVar aggregate classification (germline): Uncertain significance. Review status: criteria provided, multiple submitters, no conflicts (2 of 4 stars). 3 submissions from 3 submitters: Uncertain significance (2). 1 of the submissions does not count toward it. Last evaluated 2026-03-23.

Conditions:
Cystic fibrosis (CF). Also called: MUCOVISCIDOSIS. Identifiers: Orphanet 586, MedGen C0010674, MONDO:0009061, OMIM 219700. Disease mechanism: loss of function.

Allele frequency attached by ClinVar (database versions not stated): gnomAD exomes below 0.00001.
gnomAD v4.1: 4 of 1,613,382 alleles (0.00025%); highest among the groups gnomAD compares: Non-Finnish European, 0.00034%; no homozygotes.

Submissions (3):

Women's Health and Genetics/Laboratory Corporation of America, LabCorp
Classification: Uncertain significance. Last evaluated: 2026-03-23. Review status: criteria provided, single submitter. Criteria: LabCorp Variant Classification Summary - May 2015. Collection method: clinical testing. Allele origin: germline.
Comment: Variant summary: CFTR c.3859G>A (p.Gly1287Arg) results in a non-conservative amino acid change located in the ABC transporter-like, ATP-binding domain (IPR003439) of the encoded protein sequence. Algorithms developed to predict the effect of missense changes on protein structure and function all suggest that this variant is likely to be disruptive. The variant was absent in 250722 control chromosomes. The available data on variant occurrences in the general population are insufficient to allow any conclusion about variant significance. To our knowledge, no occurrence of c.3859G>A in individuals affected with CFTR-related conditions and no experimental evidence demonstrating its impact on protein function have been reported. ClinVar contains an entry for this variant (Variation ID: 861818). Based on the evidence outlined above, the variant was classified as uncertain significance.

Labcorp Genetics (formerly Invitae), Labcorp
Classification: Uncertain significance for Cystic fibrosis. Last evaluated: 2021-08-24. Review status: criteria provided, single submitter. Criteria: Invitae Variant Classification Sherloc (09022015). Collection method: clinical testing. Allele origin: germline.
Comment: This sequence change replaces glycine with arginine at codon 1287 of the CFTR protein (p.Gly1287Arg). The glycine residue is moderately conserved and there is a moderate physicochemical difference between glycine and arginine. This variant is not present in population databases (ExAC no frequency). This variant has not been reported in the literature in individuals affected with CFTR-related conditions. Algorithms developed to predict the effect of missense changes on protein structure and function (SIFT, PolyPhen-2, Align-GVGD) all suggest that this variant is likely to be disruptive. In summary, the available evidence is currently insufficient to determine the role of this variant in disease. Therefore, it has been classified as a Variant of Uncertain Significance.

Natera, Inc.
Classification: Uncertain significance for Cystic Fibrosis. Last evaluated: 2020-09-16. Review status: no assertion criteria provided. Collection method: clinical testing. Allele origin: germline. Not counted in ClinVar's aggregate classification.

NM_000492.4(CFTR):c.3859G>A (p.Gly1287Arg)

Genes: CFTR-AS2 (CFTR antisense RNA 2; minus strand), CFTR (CF transmembrane conductance regulator; plus strand). Cytogenetic location: 7q31.2.
Variant type: single nucleotide variant.
Coding change: c.3859G>A on transcript NM_000492.4 (MANE Select); coding-DNA position 3859, G replaced by A.
Protein change: p.Gly1287Arg; replaces glycine 1287 with arginine.
Molecular consequence: missense variant.
Genome position (GRCh38, 1-based): chr7:117,642,579, G>A. VCF-style: chr7-117642579-G-A. GRCh37 (hg19) VCF-style: chr7-117282633-G-A.
Other names: short protein forms G1287R.
Identifiers: ClinVar variation 861818 (VCV000861818.9), dbSNP rs1792936385, ClinGen allele CA368975566.